The following is an entry in ClinVar:

NM_014921.5(ADGRL1):c.809A>G (p.Asn270Ser)

Genes: ADGRL1 (adhesion G protein-coupled receptor L1; minus strand), ADGRL1-AS1 (ADGRL1 antisense RNA 1; plus strand). Cytogenetic location: 19p13.12.
Variant type: single nucleotide variant.
Coding change: c.809A>G on transcript NM_014921.5 (MANE Select); coding-DNA position 809, A replaced by G.
Protein change: p.Asn270Ser; replaces asparagine 270 with serine.
Molecular consequence: missense variant.
Genome position (GRCh38, 1-based): chr19:14,162,992, T>C on the plus strand (A>G on the coding strand, the complement: ADGRL1 is on the minus strand). VCF-style: chr19-14162992-T-C. GRCh37 (hg19) VCF-style: chr19-14273804-T-C.
Other names: c.824A>G, p.Asn275Ser (NM_001008701.3); short protein forms N270S, N275S.
Identifiers: ClinVar variation 4891365 (VCV004891365.1).

ClinVar aggregate classification (germline): Uncertain significance (1 of 4 stars; one submission).

Submission:

GeneDx
Classification: Uncertain significance. Last evaluated: 2023-05-25. Review status: criteria provided, single submitter. Criteria: GeneDx Variant Classification Process June 2021. Collection method: clinical testing. Allele origin: germline.
Comment: Not observed at significant frequency in large population cohorts (gnomAD); In silico analysis supports that this missense variant has a deleterious effect on protein structure/function; Has not been previously published as pathogenic or benign to our knowledge; Variants in candidate genes are classified as variants of uncertain significance in accordance with ACMG guidelines (Richards et al., 2015)